The following is an entry in ClinVar:

NM_001367624.2(ZNF469):c.9959A>G (p.Glu3320Gly)

Gene: ZNF469 (zinc finger protein 469; plus strand). Cytogenetic location: 16q24.2.
Variant type: single nucleotide variant.
Coding change: c.9959A>G on transcript NM_001367624.2 (MANE Select); coding-DNA position 9959, A replaced by G.
Protein change: p.Glu3320Gly; replaces glutamic acid 3320 with glycine.
Molecular consequence: missense variant.
Genome position (GRCh38, 1-based): chr16:88,437,429, A>G. VCF-style: chr16-88437429-A-G. GRCh37 (hg19) VCF-style: chr16-88503837-A-G.
Other names: NM_001127464.1:c.9875A>G; short protein forms E3320G.
Identifiers: ClinVar variation 2175969 (VCV002175969.5), dbSNP rs1435095730, ClinGen allele CA397125302.
Genomic context (GRCh38, chr16:88,437,429, plus strand): 5'-GCAGCCCGGGCCCCCCCAGGACGACCCCCAGCCCGTCCCCCGACCCCTGGGCCGGCGGGG[A>G]GCCCCTCCTGCAAGCCACCCCGGTGCACGAGGCCTGCAAGGACCCCTCCCGCGACTGCCA-3'
Protein context (NP_001354553.1, residues 3310-3330): SPSPDPWAGG[Glu3320Gly]PLLQATPVHE

ClinVar aggregate classification (germline): Uncertain significance. Review status: criteria provided, multiple submitters, no conflicts (2 of 4 stars). 3 submissions from 3 submitters: Uncertain significance (3). Last evaluated 2026-01-14.

Conditions:
Cardiovascular phenotype. Identifiers: MedGen CN230736.

Allele frequency attached by ClinVar (database versions not stated): gnomAD 0.00002; gnomAD exomes 0.00004.
gnomAD v4.1: 57 of 1,518,334 alleles (0.0038%); highest among the groups gnomAD compares: Non-Finnish European, 0.0045%; no homozygotes.

Submissions (3):

Labcorp Genetics (formerly Invitae), Labcorp
Classification: Uncertain significance. Last evaluated: 2026-01-14. Review status: criteria provided, single submitter. Criteria: Invitae Variant Classification Sherloc (09022015). Collection method: clinical testing. Allele origin: germline.
Comment: This sequence change replaces glutamic acid, which is acidic and polar, with glycine, which is neutral and non-polar, at codon 3292 of the ZNF469 protein (p.Glu3292Gly). This variant is present in population databases (no rsID available, gnomAD 0.01%). This variant has not been reported in the literature in individuals affected with ZNF469-related conditions. ClinVar contains an entry for this variant (Variation ID: 2175969). An algorithm developed to predict the effect of missense changes on protein structure and function (PolyPhen-2) suggests that this variant is likely to be disruptive. In summary, the available evidence is currently insufficient to determine the role of this variant in disease. Therefore, it has been classified as a Variant of Uncertain Significance.

GeneDx
Classification: Uncertain significance. Last evaluated: 2024-11-19. Review status: criteria provided, single submitter. Criteria: GeneDx Variant Classification Process June 2021. Collection method: clinical testing. Allele origin: germline. Affected: yes.
Comment: Not observed at significant frequency in large population cohorts (gnomAD); In silico analysis supports that this missense variant has a deleterious effect on protein structure/function; Has not been previously published as pathogenic or benign to our knowledge

Ambry Genetics
Classification: Uncertain significance for Cardiovascular phenotype. Last evaluated: 2024-03-07. Review status: criteria provided, single submitter. Criteria: Ambry Variant Classification Scheme 2023. Collection method: clinical testing. Allele origin: germline.
Comment: The p.E3292G variant (also known as c.9875A>G), located in coding exon 2 of the ZNF469 gene, results from an A to G substitution at nucleotide position 9875. The glutamic acid at codon 3292 is replaced by glycine, an amino acid with similar properties. This amino acid position is conserved. In addition, this alteration is predicted to be tolerated by in silico analysis. Based on the available evidence, the clinical significance of this alteration remains unclear.